The following is an entry in ClinVar:

NM_001009944.3(PKD1):c.11713-3C>G

Gene: PKD1 (polycystin 1, transient receptor potential channel interacting; minus strand). Cytogenetic location: 16p13.3.
Variant type: single nucleotide variant.
Coding change: c.11713-3C>G on transcript NM_001009944.3 (MANE Select); 3 bases into the intron before coding-DNA position 11713, C replaced by G.
Molecular consequence: intron variant.
Genome position (GRCh38, 1-based): chr16:2,091,177, G>C on the plus strand (C>G on the coding strand, the complement: PKD1 is on the minus strand). VCF-style: chr16-2091177-G-C. GRCh37 (hg19) VCF-style: chr16-2141178-G-C.
Other names: c.11710-3C>G (NM_000296.4).
Identifiers: ClinVar variation 447956 (VCV000447956.2), dbSNP rs754015180, ClinGen allele CA658656503.

ClinVar aggregate classification (germline): Uncertain significance. Review status: criteria provided, multiple submitters, no conflicts (2 of 4 stars). 2 submissions from 2 submitters: Uncertain significance (2). Last evaluated 2026-04-17.

Submissions (2):

GeneDx
Classification: Uncertain significance. Last evaluated: 2026-04-17. Review status: criteria provided, single submitter. Criteria: GeneDx Variant Classification Process June 2021. Collection method: clinical testing. Allele origin: germline.
Comment: Reported in a patient with polycystic kidney disease in published literature; clinical information is limited (PMID: 29606500); RNA studies demonstrate no damaging effect (PMID: 34257392); Not observed at significant frequency in large population cohorts (gnomAD); In silico analysis supports a deleterious effect on splicing; This variant is associated with the following publications: (PMID: 29606500, 34257392)

Athena Diagnostics
Classification: Uncertain significance. Last evaluated: 2017-06-26. Review status: criteria provided, single submitter. Criteria: Athena Diagnostics Criteria. Collection method: clinical testing. Allele origin: germline.